The following is an entry in ClinVar:

ClinVar aggregate classification (germline): Uncertain significance (1 of 4 stars; one submission).

Submission:

Labcorp Genetics (formerly Invitae), Labcorp
Classification: Uncertain significance. Last evaluated: 2024-08-13. Review status: criteria provided, single submitter. Criteria: Invitae Variant Classification Sherloc (09022015). Collection method: clinical testing. Allele origin: germline.
Comment: This sequence change replaces histidine, which is basic and polar, with aspartic acid, which is acidic and polar, at codon 948 of the CACNA2D4 protein (p.His948Asp). This variant is not present in population databases (gnomAD no frequency). This variant has not been reported in the literature in individuals affected with CACNA2D4-related conditions. ClinVar contains an entry for this variant (Variation ID: 962057). An algorithm developed to predict the effect of missense changes on protein structure and function (PolyPhen-2) suggests that this variant is likely to be tolerated. In summary, the available evidence is currently insufficient to determine the role of this variant in disease. Therefore, it has been classified as a Variant of Uncertain Significance.

NM_172364.5(CACNA2D4):c.2842C>G (p.His948Asp)

Gene: CACNA2D4 (calcium voltage-gated channel auxiliary subunit alpha2delta 4; minus strand). Cytogenetic location: 12p13.33.
Variant type: single nucleotide variant.
Coding change: c.2842C>G on transcript NM_172364.5 (MANE Select); coding-DNA position 2842, C replaced by G.
Protein change: p.His948Asp; replaces histidine 948 with aspartic acid.
Molecular consequence: missense variant.
Genome position (GRCh38, 1-based): chr12:1,801,069, G>C on the plus strand (C>G on the coding strand, the complement: CACNA2D4 is on the minus strand). VCF-style: chr12-1801069-G-C. GRCh37 (hg19) VCF-style: chr12-1910235-G-C.
Other names: short protein forms H948D.
Identifiers: ClinVar variation 962057 (VCV000962057.9), dbSNP rs1863304698, ClinGen allele CA383349149.